The following is an entry in ClinVar:

ClinVar aggregate classification (germline): Uncertain significance (1 of 4 stars; one submission).

Conditions:
Dyskeratosis congenita, autosomal recessive 6 (DKCB6). Identifiers: MedGen C4225356, MONDO:0014600, OMIM 616353.
Pulmonary fibrosis and/or bone marrow failure, Telomere-related, 4. Also called: PULMONARY FIBROSIS AND/OR BONE MARROW FAILURE SYNDROME, TELOMERE-RELATED, 4. Identifiers: Orphanet 2032, MedGen C4225347, MONDO:0014612, OMIM 616371.

Allele frequency attached by ClinVar (database versions not stated): TOPMed below 0.00001.

Submission:

Labcorp Genetics (formerly Invitae), Labcorp
Classification: Uncertain significance for Dyskeratosis congenita, autosomal recessive 6; Pulmonary fibrosis and/or bone marrow failure, Telomere-related, 4. Last evaluated: 2023-04-06. Review status: criteria provided, single submitter. Criteria: Invitae Variant Classification Sherloc (09022015). Collection method: clinical testing. Allele origin: germline.
Comment: This sequence change replaces serine, which is neutral and polar, with cysteine, which is neutral and slightly polar, at codon 466 of the PARN protein (p.Ser466Cys). This variant is not present in population databases (gnomAD no frequency). This variant has not been reported in the literature in individuals affected with PARN-related conditions. Advanced modeling of protein sequence and biophysical properties (such as structural, functional, and spatial information, amino acid conservation, physicochemical variation, residue mobility, and thermodynamic stability) performed at Invitae indicates that this missense variant is not expected to disrupt PARN protein function. In summary, the available evidence is currently insufficient to determine the role of this variant in disease. Therefore, it has been classified as a Variant of Uncertain Significance.

NM_002582.4(PARN):c.1396A>T (p.Ser466Cys)

Gene: PARN (poly(A)-specific ribonuclease; minus strand). Cytogenetic location: 16p13.12.
Variant type: single nucleotide variant.
Coding change: c.1396A>T on transcript NM_002582.4 (MANE Select); coding-DNA position 1396, A replaced by T.
Protein change: p.Ser466Cys; replaces serine 466 with cysteine.
Molecular consequence: missense variant.
Genome position (GRCh38, 1-based): chr16:14,554,074, T>A on the plus strand (A>T on the coding strand, the complement: PARN is on the minus strand). VCF-style: chr16-14554074-T-A. GRCh37 (hg19) VCF-style: chr16-14647931-T-A.
Other names: c.1213A>T, p.Ser405Cys (NM_001134477.3); c.1258A>T, p.Ser420Cys (NM_001242992.2); short protein forms S466C, S405C, S420C.
Identifiers: ClinVar variation 2934147 (VCV002934147.3), dbSNP rs1292994814, ClinGen allele CA394811652.